The following is an entry in ClinVar:

ClinVar aggregate classification (germline): Uncertain significance (1 of 4 stars; one submission).

gnomAD v4.1: 14 of 1,613,740 alleles (0.00087%); highest among the groups gnomAD compares: African/African-American, 0.0013%; no homozygotes.

Submission:

CeGaT Center for Human Genetics Tuebingen
Classification: Uncertain significance. Last evaluated: 2025-03-01. Review status: criteria provided, single submitter. Criteria: CeGaT Center For Human Genetics Tuebingen Variant Classification Criteria Version 2. Collection method: clinical testing. Allele origin: germline. Affected: yes. Observed: 1 variant allele.
Comment: TRPM6: PM2, PM3

NM_017662.5(TRPM6):c.2538G>A (p.Thr846=)

Gene: TRPM6 (transient receptor potential cation channel subfamily M member 6; minus strand). Cytogenetic location: 9q21.13.
Variant type: single nucleotide variant.
Coding change: c.2538G>A on transcript NM_017662.5 (MANE Select); coding-DNA position 2538, G replaced by A.
Protein change: p.Thr846=; no amino-acid change (threonine 846 retained).
Molecular consequence: synonymous variant.
Genome position (GRCh38, 1-based): chr9:74,792,624, C>T on the plus strand (G>A on the coding strand, the complement: TRPM6 is on the minus strand). VCF-style: chr9-74792624-C-T. GRCh37 (hg19) VCF-style: chr9-77407540-C-T.
Other names: c.2523G>A, p.Thr841= (NM_001177310.2, NM_001177311.2).
Identifiers: ClinVar variation 3778303 (VCV003778303.7).